The following is an entry in ClinVar:

ClinVar aggregate classification (germline): Uncertain significance. Review status: criteria provided, multiple submitters, no conflicts (2 of 4 stars). 2 submissions from 2 submitters: Uncertain significance (2). Last evaluated 2025-10-27.

Conditions:
Familial thoracic aortic aneurysm and aortic dissection (TAAD). Also called: Thoracic aortic aneurysms and dissections. Identifiers: Orphanet 91387, MedGen C4707243, MONDO:0019625.

Submissions (2):

Ambry Genetics
Classification: Uncertain significance for Familial thoracic aortic aneurysm and aortic dissection. Last evaluated: 2025-10-27. Review status: criteria provided, single submitter. Criteria: Ambry Variant Classification Scheme 2023. Collection method: clinical testing. Allele origin: germline.
Comment: The p.F99L variant (also known as c.297C>A), located in coding exon 1 of the FLNA gene, results from a C to A substitution at nucleotide position 297. The phenylalanine at codon 99 is replaced by leucine, an amino acid with highly similar properties. This amino acid position is highly conserved in available vertebrate species. In addition, this alteration is predicted to be deleterious by in silico analysis. Based on the available evidence, the clinical significance of this variant remains unclear.

GeneDx
Classification: Uncertain significance. Last evaluated: 2024-03-19. Review status: criteria provided, single submitter. Criteria: GeneDx Variant Classification Process June 2021. Collection method: clinical testing. Allele origin: germline. Affected: yes.
Comment: Not observed at significant frequency in large population cohorts (gnomAD); In silico analysis supports that this missense variant has a deleterious effect on protein structure/function; Has not been previously published as pathogenic or benign to our knowledge

NM_001110556.2(FLNA):c.297C>A (p.Phe99Leu)

Gene: FLNA (filamin A; minus strand). Cytogenetic location: Xq28.
Variant type: single nucleotide variant.
Coding change: c.297C>A on transcript NM_001110556.2 (MANE Select); coding-DNA position 297, C replaced by A.
Protein change: p.Phe99Leu; replaces phenylalanine 99 with leucine.
Molecular consequence: missense variant.
Genome position (GRCh38, 1-based): chrX:154,370,949, G>T on the plus strand (C>A on the coding strand, the complement: FLNA is on the minus strand). VCF-style: chrX-154370949-G-T. GRCh37 (hg19) VCF-style: chrX-153599317-G-T.
Other names: c.297C>A, p.Phe99Leu (NM_001456.4); short protein forms F99L.
Identifiers: ClinVar variation 3253243 (VCV003253243.2), dbSNP rs2148121887.
Genomic context (GRCh38, chrX:154,370,949, plus strand): 5'-GATGCTCTCGCGGTCCAGGAACTCGAGCGCCACCGACACGTTCTCAAGCTGCATTTGGCG[G>T]AAAGTGGGCCGCTGGTTGTGCTTGCGGTGCATCTTCTTCTGGCTGAGCACCTCCAACAGC-3'
Protein context (NP_001104026.1, residues 89-109): MHRKHNQRPT[Phe99Leu]RQMQLENVSV